The following is an entry in ClinVar:

ClinVar aggregate classification (germline): Uncertain significance (1 of 4 stars; one submission).

Submission:

Labcorp Genetics (formerly Invitae), Labcorp
Classification: Uncertain significance. Last evaluated: 2023-09-22. Review status: criteria provided, single submitter. Criteria: Invitae Variant Classification Sherloc (09022015). Collection method: clinical testing. Allele origin: germline.
Comment: This sequence change creates a premature translational stop signal (p.Tyr336*) in the WDR1 gene. It is expected to result in an absent or disrupted protein product. However, the current clinical and genetic evidence is not sufficient to establish whether loss-of-function variants in WDR1 cause disease. This variant is not present in population databases (gnomAD no frequency). This variant has not been reported in the literature in individuals affected with WDR1-related conditions. Algorithms developed to predict the effect of sequence changes on RNA splicing suggest that this variant may disrupt the consensus splice site. In summary, the available evidence is currently insufficient to determine the role of this variant in disease. Therefore, it has been classified as a Variant of Uncertain Significance.

NM_017491.5(WDR1):c.1008C>G (p.Tyr336Ter)

Gene: WDR1 (WD repeat domain 1; minus strand). Cytogenetic location: 4p16.1.
Variant type: single nucleotide variant.
Coding change: c.1008C>G on transcript NM_017491.5 (MANE Select); coding-DNA position 1008, C replaced by G.
Protein change: p.Tyr336Ter; replaces tyrosine 336 with a stop codon.
Molecular consequence: nonsense.
Genome position (GRCh38, 1-based): chr4:10,084,474, G>C on the plus strand (C>G on the coding strand, the complement: WDR1 is on the minus strand). VCF-style: chr4-10084474-G-C. GRCh37 (hg19) VCF-style: chr4-10086098-G-C.
Other names: c.588C>G, p.Tyr196Ter (NM_005112.5); short protein forms Y196*, Y336*.
Identifiers: ClinVar variation 2753612 (VCV002753612.3), dbSNP rs1005964747, ClinGen allele CA356360499.